The following is an entry in ClinVar:

NM_058216.3(RAD51C):c.1074_1110del (p.Glu360fs)

Gene: RAD51C (RAD51 paralog C; plus strand). Cytogenetic location: 17q22.
Variant type: Deletion.
Coding change: c.1074_1110del on transcript NM_058216.3 (MANE Select); coding-DNA positions 1074 to 1110, 37 bases deleted.
Protein change: p.Glu360fs; shifts the reading frame from glutamic acid 360.
Molecular consequence: frameshift variant. On other transcripts: non-coding transcript variant (1).
Genome position (GRCh38, 1-based): chr17:58,734,165-58,734,201, 37 bases deleted; deleting any 37 consecutive bases within chr17:58,734,164-58,734,201 gives the same sequence; the c. name uses the placement nearest the transcript's 3' end. GRCh37 (hg19): chr17:56,811,526-56,811,562.
Other names: short protein forms E360fs.
Identifiers: ClinVar variation 950919 (VCV000950919.13), dbSNP rs1343626760, ClinGen allele CA626738950.
Genomic context (GRCh38, chr17:58,734,163, plus strand): 5'-TTTTTTATCTTTCAGCCTCAGGGATTTAGAGATACTGTTGTTACTTCTGCATGTTCATTG[CAAACAGAAGGTTCCTTGAGCACCCGGAAACGGTCACG>C]AGACCCAGAGGAAGAATTATAACCCAGAAACAAATCTCAAAGTGTACAAATTTATTGATG-3'

ClinVar aggregate classification (germline): Conflicting classifications of pathogenicity. Review status: criteria provided, conflicting classifications (1 of 4 stars). 3 submissions from 3 submitters: Likely pathogenic (1); Uncertain significance (2). Last evaluated 2026-04-28.

Conditions:
Hereditary cancer-predisposing syndrome. Also called: Hereditary Cancer Syndrome; Neoplastic Syndromes, Hereditary; Tumor predisposition; Hereditary neoplastic syndrome. Identifiers: Orphanet 140162, MedGen C0027672, MeSH D009386, MONDO:0015356.
Fanconi anemia complementation group O. Also called: RAD51C-Related Fanconi Anemia. Identifiers: Orphanet 84, MedGen C3150653, MONDO:0013248, OMIM 613390.
Breast-ovarian cancer, familial, susceptibility to, 3. Also called: RAD51C-Related Breast/Ovarian Cancer. Identifiers: Orphanet 145, MedGen C3150659, MONDO:0013253, OMIM 613399.

Submissions (3):

Ambry Genetics
Classification: Uncertain significance for Hereditary cancer-predisposing syndrome. Last evaluated: 2026-04-28. Review status: criteria provided, single submitter. Criteria: Ambry Variant Classification Scheme 2023. Collection method: clinical testing. Allele origin: germline.
Comment: The c.1074_1110del37 variant, located in coding exon 9 of the RAD51C gene, results from a deletion of 37 nucleotides at nucleotide positions 1074 to 1110, causing a translational frameshift with a predicted alternate stop codon (p.E360Qfs*35). This alteration occurs at the 3' terminus of theRAD51C gene, is not expected to trigger nonsense-mediated mRNAdecay, and only impacts the last 17 amino acids of the protein. The exact functional effect of this alteration is unknown. Based on the available evidence, the clinical significance of this variant remains unclear.

Labcorp Genetics (formerly Invitae), Labcorp
Classification: Likely pathogenic for Fanconi anemia complementation group O. Last evaluated: 2025-08-25. Review status: criteria provided, single submitter. Criteria: Invitae Variant Classification Sherloc (09022015). Collection method: clinical testing. Allele origin: germline.
Comment: This sequence change is expected to alter the c-terminus of the RAD51C protein (p.Glu360Glnfs*35). While this is not anticipated to result in nonsense mediated decay, it is expected to disrupt the last 17 amino acid(s) of the RAD51C protein and extend the protein by 17 additional amino acid residues. This variant is present in population databases (no rsID available, gnomAD 0.007%). This variant has not been reported in the literature in individuals affected with RAD51C-related conditions. ClinVar contains an entry for this variant (Variation ID: 950919). Experimental studies and prediction algorithms are not available or were not evaluated, and the functional significance of this variant is currently unknown. This variant disrupts the nuclear localization signal (NLS) of the RAD51C protein, which is important for proper localization and function of the RAD51C protein (PMID:12966089). While functional studies have not been performed to directly test the effect of this variant on RAD51C protein function, this suggests that disruption of this region of the protein is causative of disease. In summary, the currently available evidence indicates that the variant is pathogenic, but additional data are needed to prove that conclusively. Therefore, this variant has been classified as Likely Pathogenic.

Baylor Genetics
Classification: Uncertain significance for Breast-ovarian cancer, familial, susceptibility to, 3. Last evaluated: 2023-11-09. Review status: criteria provided, single submitter. Criteria: ACMG Guidelines, 2015. Collection method: clinical testing. Allele origin: unknown.

Literature cited by the submitters: PubMed 12966089 (cited by Labcorp Genetics (formerly Invitae), Labcorp).